The following is an entry in ClinVar:

NM_003764.4(STX11):c.658C>T (p.Arg220Cys)

Gene: STX11 (syntaxin 11; plus strand). Cytogenetic location: 6q24.2.
Variant type: single nucleotide variant.
Coding change: c.658C>T on transcript NM_003764.4 (MANE Select); coding-DNA position 658, C replaced by T.
Protein change: p.Arg220Cys; replaces arginine 220 with cysteine.
Molecular consequence: missense variant.
Genome position (GRCh38, 1-based): chr6:144,187,285, C>T. VCF-style: chr6-144187285-C-T. GRCh37 (hg19) VCF-style: chr6-144508422-C-T.
Other names: short protein forms R220C.
Identifiers: ClinVar variation 1393900 (VCV001393900.6), dbSNP rs1347888298, ClinGen allele CA365949719.
Genomic context (GRCh38, chr6:144,187,285, plus strand): 5'-GCGCGGGCCGCCCTCAACGAGATCGAGAGCCGCCACCGCGAACTGCTGCGCCTGGAGAGC[C>T]GCATCCGCGACGTACACGAGCTCTTCTTGCAGATGGCGGTGCTGGTGGAGAAGCAGGCCG-3'
Protein context (NP_003755.2, residues 210-230): RHRELLRLES[Arg220Cys]IRDVHELFLQ

ClinVar aggregate classification (germline): Uncertain significance (1 of 4 stars; one submission).

Conditions:
Familial hemophagocytic lymphohistiocytosis 4 (FHL4). Also called: STX11-Related Familial Hemophagocytic Lymphohistiocytosis (STX11-fHLH). Identifiers: Orphanet 540, MedGen C1863728, MONDO:0011336, OMIM 603552.

Submission:

Labcorp Genetics (formerly Invitae), Labcorp
Classification: Uncertain significance for Familial hemophagocytic lymphohistiocytosis 4. Last evaluated: 2021-11-18. Review status: criteria provided, single submitter. Criteria: Invitae Variant Classification Sherloc (09022015). Collection method: clinical testing. Allele origin: germline.
Comment: This sequence change replaces arginine, which is basic and polar, with cysteine, which is neutral and slightly polar, at codon 220 of the STX11 protein (p.Arg220Cys). This variant is not present in population databases (gnomAD no frequency). This variant has not been reported in the literature in individuals affected with STX11-related conditions. Algorithms developed to predict the effect of missense changes on protein structure and function are either unavailable or do not agree on the potential impact of this missense change (SIFT: "Deleterious"; PolyPhen-2: "Probably Damaging"; Align-GVGD: "Class C15"). In summary, the available evidence is currently insufficient to determine the role of this variant in disease. Therefore, it has been classified as a Variant of Uncertain Significance.